The following is an entry in ClinVar:

ClinVar aggregate classification (germline): Uncertain significance (1 of 4 stars; one submission).

Allele frequency attached by ClinVar (database versions not stated): ExAC 0.00001; gnomAD 0.00002; gnomAD exomes 0.00002; TOPMed 0.00002.
gnomAD v4.1: 75 of 1,613,968 alleles (0.0046%); highest among the groups gnomAD compares: Non-Finnish European, 0.0062%; no homozygotes.

Submission:

Labcorp Genetics (formerly Invitae), Labcorp
Classification: Uncertain significance. Last evaluated: 2021-08-27. Review status: criteria provided, single submitter. Criteria: Invitae Variant Classification Sherloc (09022015). Collection method: clinical testing. Allele origin: germline.
Comment: This sequence change replaces tyrosine with cysteine at codon 245 of the CFAP298 protein (p.Tyr245Cys). The tyrosine residue is weakly conserved and there is a large physicochemical difference between tyrosine and cysteine. This variant is present in population databases (rs761560756, ExAC 0.001%). This variant has not been reported in the literature in individuals affected with CFAP298-related conditions. Algorithms developed to predict the effect of missense changes on protein structure and function are either unavailable or do not agree on the potential impact of this missense change (SIFT: "Tolerated"; PolyPhen-2: "Possibly Damaging"; Align-GVGD: "Class C15"). In summary, the available evidence is currently insufficient to determine the role of this variant in disease. Therefore, it has been classified as a Variant of Uncertain Significance.

NM_021254.4(CFAP298):c.734A>G (p.Tyr245Cys)

Genes: CFAP298 (cilia and flagella associated protein 298; minus strand), CFAP298-TCP10L (CFAP298-TCP10L readthrough; minus strand). Cytogenetic location: 21q22.11.
Variant type: single nucleotide variant.
Coding change: c.734A>G on transcript NM_021254.4 (MANE Select); coding-DNA position 734, A replaced by G.
Protein change: p.Tyr245Cys; replaces tyrosine 245 with cysteine.
Molecular consequence: missense variant. On other transcripts: 3 prime UTR variant (1), intron variant (2).
Genome position (GRCh38, 1-based): chr21:32,602,300, T>C on the plus strand (A>G on the coding strand, the complement: CFAP298 is on the minus strand). VCF-style: chr21-32602300-T-C. GRCh37 (hg19) VCF-style: chr21-33974610-T-C.
Other names: c.437A>G, p.Tyr146Cys (NM_001350334.2); c.*789A>G (NM_001350335.2); c.734A>G, p.Tyr245Cys (NM_001350337.2); c.666+861A>G (NM_001350338.2); c.667-327A>G (NM_001350336.2); short protein forms Y245C, Y146C.
Identifiers: ClinVar variation 1523446 (VCV001523446.5), dbSNP rs761560756, ClinGen allele CA10002737.